The following is an entry in ClinVar:

NM_000081.4(LYST):c.4006+1G>T

Gene: LYST (lysosomal trafficking regulator; minus strand). Cytogenetic location: 1q42.3.
Variant type: single nucleotide variant.
Coding change: c.4006+1G>T on transcript NM_000081.4 (MANE Select); the canonical splice donor site of the intron after coding-DNA position 4006, G replaced by T.
Molecular consequence: splice donor variant.
Genome position (GRCh38, 1-based): chr1:235,800,319, C>A on the plus strand (G>T on the coding strand, the complement: LYST is on the minus strand). VCF-style: chr1-235800319-C-A. GRCh37 (hg19) VCF-style: chr1-235963619-C-A.
Other names: c.4006+1G>T (NM_001301365.1).
Identifiers: ClinVar variation 5006295 (VCV005006295.2).

ClinVar aggregate classification (germline): Likely pathogenic (1 of 4 stars; one submission).

Conditions:
Chédiak-Higashi syndrome (CHS). Also called: Chediak-Higashi Syndrome. Identifiers: Orphanet 167, MedGen C0007965, MONDO:0008963, OMIM 214500.

gnomAD v4.1: 6 of 1,562,476 alleles (0.00038%); highest among the groups gnomAD compares: Non-Finnish European, 0.00053%; no homozygotes.

Submission:

Juno Genomics, Hangzhou Juno Genomics, Inc
Classification: Likely pathogenic for Chédiak-Higashi syndrome. Review status: criteria provided, single submitter. Criteria: ACMG Guidelines, 2015. Collection method: clinical testing. Allele origin: germline.
Comment: Null variant in a gene where loss of function (LOF) is a known mechanism of disease.;Absent from controls (or at extremely low frequency if recessive) in Genome Aggregation Database.